The following is an entry in ClinVar:

ClinVar aggregate classification (germline): Uncertain significance. Review status: criteria provided, single submitter (1 of 4 stars). 2 submissions from 2 submitters: Uncertain significance (1). 1 of the submissions does not count toward it. Last evaluated 2023-02-14.

Conditions:
Hypertrophic cardiomyopathy. Also called: HYPERTROPHIC MYOCARDIOPATHY. Identifiers: Orphanet 217569, MedGen C0007194, MeSH D002312, MONDO:0005045, HP:0001639.

Submissions (2):

Labcorp Genetics (formerly Invitae), Labcorp
Classification: Uncertain significance for Hypertrophic cardiomyopathy. Last evaluated: 2023-02-14. Review status: criteria provided, single submitter. Criteria: Invitae Variant Classification Sherloc (09022015). Collection method: clinical testing. Allele origin: germline.
Comment: This sequence change replaces aspartic acid, which is acidic and polar, with glutamic acid, which is acidic and polar, at codon 650 of the MYBPC3 protein (p.Asp650Glu). This variant is not present in population databases (gnomAD no frequency). This missense change has been observed in individual(s) with hypertrophic cardiomyopathy (PMID: 27532257). ClinVar contains an entry for this variant (Variation ID: 177639). Algorithms developed to predict the effect of missense changes on protein structure and function (SIFT, PolyPhen-2, Align-GVGD) all suggest that this variant is likely to be disruptive. In summary, the available evidence is currently insufficient to determine the role of this variant in disease. Therefore, it has been classified as a Variant of Uncertain Significance.

Laboratory for Molecular Medicine, Mass General Brigham Personalized Medicine
Classification: Uncertain significance. Last evaluated: 2008-03-01. Review status: no assertion criteria provided. Collection method: clinical testing. Allele origin: germline. Observed: 1 variant allele. Not counted in ClinVar's aggregate classification.
Comment: proposed classification - variant undergoing re-assessment, contact laboratory

Literature cited by the submitters: PubMed 27532257 (cited by Labcorp Genetics (formerly Invitae), Labcorp).

NM_000256.3(MYBPC3):c.1950C>G (p.Asp650Glu)

Gene: MYBPC3 (myosin binding protein C3; minus strand). Cytogenetic location: 11p11.2.
Variant type: single nucleotide variant.
Coding change: c.1950C>G on transcript NM_000256.3 (MANE Select); coding-DNA position 1950, C replaced by G.
Protein change: p.Asp650Glu; replaces aspartic acid 650 with glutamic acid.
Molecular consequence: missense variant.
Genome position (GRCh38, 1-based): chr11:47,339,768, G>C on the plus strand (C>G on the coding strand, the complement: MYBPC3 is on the minus strand). VCF-style: chr11-47339768-G-C. GRCh37 (hg19) VCF-style: chr11-47361319-G-C.
Other names: short protein forms D650E.
Identifiers: ClinVar variation 177639 (VCV000177639.7), dbSNP rs727504250, ClinGen allele CA011540.